The following is an entry in ClinVar:

NM_012123.4(MTO1):c.1175del (p.Pro392fs)

Gene: MTO1 (mitochondrial tRNA translation optimization 1; plus strand). Cytogenetic location: 6q13.
Variant type: Deletion.
Coding change: c.1175del on transcript NM_012123.4 (MANE Select); coding-DNA position 1175, one base deleted (C; older notation c.1175delC).
Protein change: p.Pro392fs; shifts the reading frame from proline 392.
Molecular consequence: frameshift variant.
Genome position (GRCh38, 1-based): chr6:73,480,720, C deleted; the last of 4 consecutive C bases (chr6:73,480,717-73,480,720); deleting any one gives the same sequence. VCF-style (leftmost placement, unchanged base first): chr6-73480716-AC-A. GRCh37 (hg19) VCF-style: chr6-74190439-AC-A.
Other names: c.1175del, p.Pro392fs (NM_001123226.2); c.1250del, p.Pro417fs (NM_133645.3); short protein forms P392fs, P417fs.
Identifiers: ClinVar variation 4721381 (VCV004721381.1).
Genomic context (GRCh38, chr6:73,480,716, plus strand): 5'-GTCTTTGTTCTTTGGTCAGGCTACGGTGTTCAGTATGATTACTTAGATCCCCGTCAGATC[AC>A]CCCTTCCTTGGAGACTCATTTGGTTCAACGACTCTTCTTTGCTGGACAGATCAATGGCAC-3'

ClinVar aggregate classification (germline): Pathogenic (1 of 4 stars; one submission).

Conditions:
Mitochondrial hypertrophic cardiomyopathy with lactic acidosis due to MTO1 deficiency. Also called: CARDIOMYOPATHY, INFANTILE HYPERTROPHIC MITOCHONDRIAL, AND LACTIC ACIDOSIS; Combined oxidative phosphorylation deficiency 10. Identifiers: Orphanet 314637, MedGen C4749921, MONDO:0013865, OMIM 614702.

Submission:

Labcorp Genetics (formerly Invitae), Labcorp
Classification: Pathogenic for Mitochondrial hypertrophic cardiomyopathy with lactic acidosis due to MTO1 deficiency. Last evaluated: 2025-06-14. Review status: criteria provided, single submitter. Criteria: Invitae Variant Classification Sherloc (09022015). Collection method: clinical testing. Allele origin: germline.
Comment: This sequence change creates a premature translational stop signal (p.Pro392Leufs*31) in the MTO1 gene. It is expected to result in an absent or disrupted protein product. Loss-of-function variants in MTO1 are known to be pathogenic (PMID: 22608499, 25058219). This variant is not present in population databases (gnomAD no frequency). This variant has not been reported in the literature in individuals affected with MTO1-related conditions. For these reasons, this variant has been classified as Pathogenic.

Literature cited by the submitters: PubMed 22608499; PubMed 25058219.